The following is an entry in ClinVar:

NM_001376.5(DYNC1H1):c.12584G>A (p.Arg4195Gln)

Gene: DYNC1H1 (dynein cytoplasmic 1 heavy chain 1; plus strand). Cytogenetic location: 14q32.31.
Variant type: single nucleotide variant.
Coding change: c.12584G>A on transcript NM_001376.5 (MANE Select); coding-DNA position 12584, G replaced by A.
Protein change: p.Arg4195Gln; replaces arginine 4195 with glutamine.
Molecular consequence: missense variant.
Genome position (GRCh38, 1-based): chr14:102,043,945, G>A. VCF-style: chr14-102043945-G-A. GRCh37 (hg19) VCF-style: chr14-102510282-G-A.
Other names: p.Arg4195Gln; short protein forms R4195Q.
Identifiers: ClinVar variation 539783 (VCV000539783.15), dbSNP rs140013253, ClinGen allele CA7353976.

ClinVar aggregate classification (germline): Benign/Likely benign. Review status: criteria provided, multiple submitters, no conflicts (2 of 4 stars). 4 submissions from 4 submitters: Benign (2); Likely benign (2). Last evaluated 2026-03-26.

Conditions:
DYNC1H1-related disorder. Also called: DYNC1H1-related condition; DYNC1H1-related disorders. Identifiers: MedGen CN381529.
Charcot-Marie-Tooth disease axonal type 2O. Also called: CHARCOT-MARIE-TOOTH NEUROPATHY, AXONAL, TYPE 2O; CHARCOT-MARIE-TOOTH DISEASE, AXONAL, AUTOSOMAL DOMINANT, TYPE 2O; Charcot-Marie-Tooth disease, axonal, type 20; Charcot-Marie-Tooth Neuropathy Type 2O. Identifiers: Orphanet 284232, MedGen C3280220, MONDO:0013644, OMIM 614228.
Inborn genetic diseases. Identifiers: MedGen C0950123, MeSH D030342.

Allele frequency attached by ClinVar (database versions not stated): TOPMed 0.00002; gnomAD 0.00003; gnomAD exomes 0.00003 and 0.00007; ExAC 0.00007; ESP Exome Variant Server 0.00008.
gnomAD v4.1: 44 of 1,614,112 alleles (0.0027%); highest among the groups gnomAD compares: African/African-American, 0.0013%; no homozygotes.

Submissions (4):

PreventionGenetics, part of Exact Sciences
Classification: Likely benign for DYNC1H1-related condition. Last evaluated: 2026-03-26. Review status: criteria provided, single submitter. Criteria: ACMG Guidelines, 2015. Collection method: clinical testing. Allele origin: germline.
Comment: This variant is classified as likely benign based on ACMG/AMP sequence variant interpretation guidelines (Richards et al. 2015 PMID: 25741868, with internal and published modifications).

Labcorp Genetics (formerly Invitae), Labcorp
Classification: Likely benign for Charcot-Marie-Tooth disease axonal type 2O. Last evaluated: 2025-12-15. Review status: criteria provided, single submitter. Criteria: Invitae Variant Classification Sherloc (09022015). Collection method: clinical testing. Allele origin: germline.

Mayo Clinic Laboratories, Mayo Clinic
Classification: Benign. Last evaluated: 2022-06-24. Review status: criteria provided, single submitter. Criteria: ACMG Guidelines, 2015. Collection method: clinical testing. Allele origin: germline. Observed: 2 variant alleles.
Comment: BS1, BS2

Ambry Genetics
Classification: Benign for Inborn genetic diseases. Last evaluated: 2019-04-03. Review status: criteria provided, single submitter. Criteria: Ambry Variant Classification Scheme 2023. Collection method: clinical testing. Allele origin: germline.

Literature cited by the submitters: PubMed 32376792 (cited by Mayo Clinic Laboratories, Mayo Clinic).